The following is an entry in ClinVar:

ClinVar aggregate classification (germline): Uncertain significance (1 of 4 stars; one submission).

Conditions:
Familial hemophagocytic lymphohistiocytosis 2 (FHL2). Also called: PRF1-Related Familial Hemophagocytic Lymphohistiocytosis (PRF1-fHLH). Identifiers: Orphanet 540, MedGen C1863727, MONDO:0011337, OMIM 603553.

gnomAD v4.1: 6 of 1,613,978 alleles (0.00037%); highest among the groups gnomAD compares: African/African-American, 0.0013%; no homozygotes.

Submission:

Labcorp Genetics (formerly Invitae), Labcorp
Classification: Uncertain significance for Familial hemophagocytic lymphohistiocytosis 2. Last evaluated: 2021-08-20. Review status: criteria provided, single submitter. Criteria: Invitae Variant Classification Sherloc (09022015). Collection method: clinical testing. Allele origin: germline.
Comment: This sequence change replaces proline with threonine at codon 345 of the PRF1 protein (p.Pro345Thr). The proline residue is highly conserved and there is a small physicochemical difference between proline and threonine. This variant is present in population databases (rs200641752, ExAC 0.01%). This variant has not been reported in the literature in individuals affected with PRF1-related conditions. Algorithms developed to predict the effect of missense changes on protein structure and function (SIFT, PolyPhen-2, Align-GVGD) all suggest that this variant is likely to be disruptive. In summary, the available evidence is currently insufficient to determine the role of this variant in disease. Therefore, it has been classified as a Variant of Uncertain Significance.

NM_001083116.3(PRF1):c.1033C>A (p.Pro345Thr)

Gene: PRF1 (perforin 1; minus strand). Cytogenetic location: 10q22.1.
Variant type: single nucleotide variant.
Coding change: c.1033C>A on transcript NM_001083116.3 (MANE Select); coding-DNA position 1033, C replaced by A.
Protein change: p.Pro345Thr; replaces proline 345 with threonine.
Molecular consequence: missense variant.
Genome position (GRCh38, 1-based): chr10:70,598,688, G>T on the plus strand (C>A on the coding strand, the complement: PRF1 is on the minus strand). VCF-style: chr10-70598688-G-T. GRCh37 (hg19) VCF-style: chr10-72358444-G-T.
Other names: c.1033C>A, p.Pro345Thr (NM_005041.6); short protein forms P345T.
Identifiers: ClinVar variation 1432637 (VCV001432637.5), dbSNP rs200641752, ClinGen allele CA5538847.